The following is an entry in ClinVar:

ClinVar aggregate classification (germline): Uncertain significance (1 of 4 stars; one submission).

Conditions:
Birt-Hogg-Dube syndrome. Also called: Birt Hogg Dubé syndrome. Identifiers: Orphanet 122, MedGen C0346010, MONDO:0800444.

Submission:

Labcorp Genetics (formerly Invitae), Labcorp
Classification: Uncertain significance for Birt-Hogg-Dube syndrome. Last evaluated: 2021-09-21. Review status: criteria provided, single submitter. Criteria: Invitae Variant Classification Sherloc (09022015). Collection method: clinical testing. Allele origin: germline.
Comment: In summary, the available evidence is currently insufficient to determine the role of this variant in disease. Therefore, it has been classified as a Variant of Uncertain Significance. Algorithms developed to predict the effect of missense changes on protein structure and function (SIFT, PolyPhen-2, Align-GVGD) all suggest that this variant is likely to be tolerated. This variant has not been reported in the literature in individuals affected with FLCN-related conditions. This variant is not present in population databases (ExAC no frequency). This sequence change replaces serine with tyrosine at codon 71 of the FLCN protein (p.Ser71Tyr). The serine residue is moderately conserved and there is a large physicochemical difference between serine and tyrosine.

NM_144997.7(FLCN):c.212C>A (p.Ser71Tyr)

Gene: FLCN (folliculin; minus strand). Cytogenetic location: 17p11.2.
Variant type: single nucleotide variant.
Coding change: c.212C>A on transcript NM_144997.7 (MANE Select); coding-DNA position 212, C replaced by A.
Protein change: p.Ser71Tyr; replaces serine 71 with tyrosine.
Molecular consequence: missense variant.
Genome position (GRCh38, 1-based): chr17:17,227,926, G>T on the plus strand (C>A on the coding strand, the complement: FLCN is on the minus strand). VCF-style: chr17-17227926-G-T. GRCh37 (hg19) VCF-style: chr17-17131240-G-T.
Other names: c.212C>A, p.Ser71Tyr (NM_001353229.2, NM_001353230.2, NM_001353231.2 and 1 more transcripts); short protein forms S71Y.
Identifiers: ClinVar variation 1481705 (VCV001481705.6), dbSNP rs1555611399, ClinGen allele CA398535093.